The following is an entry in ClinVar:

ClinVar aggregate classification (germline): Likely benign. Review status: criteria provided, multiple submitters, no conflicts (2 of 4 stars). 5 submissions from 5 submitters: Likely benign (5). Last evaluated 2026-01-07.

Conditions:
Hereditary cancer-predisposing syndrome. Also called: Neoplastic Syndromes, Hereditary; Hereditary Cancer Syndrome; Tumor predisposition; Hereditary neoplastic syndrome. Identifiers: Orphanet 140162, MedGen C0027672, MeSH D009386, MONDO:0015356.

Allele frequency attached by ClinVar (database versions not stated): gnomAD exomes 0.00001 and 0.00002; ExAC 0.00002; gnomAD 0.00003; TOPMed 0.00003.
gnomAD v4.1: 24 of 1,611,902 alleles (0.0015%); highest among the groups gnomAD compares: Middle Eastern, 0.066%; 1 homozygote.

Submissions (5):

Labcorp Genetics (formerly Invitae), Labcorp
Classification: Likely benign. Last evaluated: 2026-01-07. Review status: criteria provided, single submitter. Criteria: Invitae Variant Classification Sherloc (09022015). Collection method: clinical testing. Allele origin: germline.

CeGaT Center for Human Genetics Tuebingen
Classification: Likely benign. Last evaluated: 2025-09-01. Review status: criteria provided, single submitter. Criteria: CeGaT Center For Human Genetics Tuebingen Variant Classification Criteria Version 2. Collection method: clinical testing. Allele origin: germline. Affected: yes. Observed: 2 variant alleles.
Comment: NTHL1: BP4, BP7

Center for Genomic Medicine, Rigshospitalet, Copenhagen University Hospital
Classification: Likely benign. Last evaluated: 2025-03-04. Review status: criteria provided, single submitter. Criteria: ACMG Guidelines, 2015. Collection method: clinical testing. Allele origin: germline.

Ambry Genetics
Classification: Likely benign for Hereditary cancer-predisposing syndrome. Last evaluated: 2019-04-25. Review status: criteria provided, single submitter. Criteria: Ambry Variant Classification Scheme 2023. Collection method: clinical testing. Allele origin: germline.

GeneDx
Classification: Likely benign. Last evaluated: 2019-02-12. Review status: criteria provided, single submitter. Criteria: GeneDx Variant Classification Process June 2021. Collection method: clinical testing. Allele origin: germline. Affected: yes.

NM_002528.7(NTHL1):c.345C>T (p.Ala115=)

Gene: NTHL1 (nth like DNA glycosylase 1; minus strand). Cytogenetic location: 16p13.3.
Variant type: single nucleotide variant.
Coding change: c.345C>T on transcript NM_002528.7 (MANE Select); coding-DNA position 345, C replaced by T.
Protein change: p.Ala115=; no amino-acid change (alanine 115 retained).
Molecular consequence: synonymous variant. On other transcripts: intron variant (1).
Genome position (GRCh38, 1-based): chr16:2,046,137, G>A on the plus strand (C>T on the coding strand, the complement: NTHL1 is on the minus strand). VCF-style: chr16-2046137-G-A. GRCh37 (hg19) VCF-style: chr16-2096138-G-A.
Other names: c.345C>T, p.Ala115= (LRG_1366t1, NM_001318193.2); c.24+143C>T (NM_001318194.2).
Identifiers: ClinVar variation 514751 (VCV000514751.29), dbSNP rs781125710, ClinGen allele CA7828318.